The following is an entry in ClinVar:

NM_000515.5(GH1):c.344C>T (p.Pro115Leu)

Genes: GH-LCR (growth hormone locus control region; plus strand), GH1 (growth hormone 1; minus strand). Cytogenetic location: 17q23.3.
Variant type: single nucleotide variant.
Coding change: c.344C>T on transcript NM_000515.5 (MANE Select); coding-DNA position 344, C replaced by T.
Protein change: p.Pro115Leu; replaces proline 115 with leucine.
Molecular consequence: missense variant.
Genome position (GRCh38, 1-based): chr17:63,917,872, G>A on the plus strand (C>T on the coding strand, the complement: GH1 is on the minus strand). VCF-style: chr17-63917872-G-A. GRCh37 (hg19) VCF-style: chr17-61995232-G-A.
Other names: c.299C>T, p.Pro100Leu (NM_022559.4); c.224C>T, p.Pro75Leu (NM_022560.4); short protein forms P100L, P115L, P75L.
Identifiers: ClinVar variation 4538968 (VCV004538968.1).

ClinVar aggregate classification (germline): Uncertain significance (1 of 4 stars; one submission).

Submission:

GeneDx
Classification: Uncertain significance. Last evaluated: 2025-06-13. Review status: criteria provided, single submitter. Criteria: GeneDx Variant Classification Process June 2021. Collection method: clinical testing. Allele origin: germline. Affected: yes.
Comment: Identified in individuals with growth hormone deficiency and other pituitary-derived hormone deficiencies in the published literature; however, it is unknown if these individuals were screened for variants in other genes associated with this phenotype (PMID: 15671105, 16322384); Not observed at significant frequency in large population cohorts (gnomAD); In silico analysis supports that this missense variant has a deleterious effect on protein structure/function; Also known as P89L using legacy nomenclature; This variant is associated with the following publications: (PMID: 21274339, 11502836, Wajnrajch2000[Article], 20389107, 15671105, 16322384)